The following is an entry in ClinVar:

NM_001008216.2(GALE):c.551G>A (p.Arg184His)

Gene: GALE (UDP-galactose-4-epimerase; minus strand). Cytogenetic location: 1p36.11.
Variant type: single nucleotide variant.
Coding change: c.551G>A on transcript NM_001008216.2 (MANE Select); coding-DNA position 551, G replaced by A.
Protein change: p.Arg184His; replaces arginine 184 with histidine.
Molecular consequence: missense variant.
Genome position (GRCh38, 1-based): chr1:23,797,125, C>T on the plus strand (G>A on the coding strand, the complement: GALE is on the minus strand). VCF-style: chr1-23797125-C-T. GRCh37 (hg19) VCF-style: chr1-24123615-C-T.
Other names: c.551G>A, p.Arg184His (NM_000403.4, NM_001127621.2); c.551G>A (NM_000403.3); short protein forms R184H.
Identifiers: ClinVar variation 167123 (VCV000167123.7), dbSNP rs140515600, ClinGen allele CA234067.

ClinVar aggregate classification (germline): Uncertain significance. Review status: criteria provided, multiple submitters, no conflicts (2 of 4 stars). 2 submissions from 2 submitters: Uncertain significance (2). Last evaluated 2024-08-16.

Allele frequency attached by ClinVar (database versions not stated): gnomAD 0.00001 and 0.00002; ESP Exome Variant Server 0.00008; 1000 Genomes Project 30x 0.00031; gnomAD exomes below 0.00001; TOPMed 0.00001; 1000 Genomes Project 0.00020.
gnomAD v4.1: 8 of 1,611,140 alleles (0.0005%); highest among the groups gnomAD compares: African/African-American, 0.0027%; no homozygotes.

Submissions (2):

GeneDx
Classification: Uncertain significance. Last evaluated: 2024-08-16. Review status: criteria provided, single submitter. Criteria: GeneDx Variant Classification Process June 2021. Collection method: clinical testing. Allele origin: germline. Affected: yes.
Comment: Not observed at significant frequency in large population cohorts (gnomAD); In silico analysis supports that this missense variant has a deleterious effect on protein structure/function; Computational analysis predicts this variant would impair GALE activity, however functional studies were not performed (PMID: 23644136); This variant is associated with the following publications: (PMID: 23644136)

Eurofins Ntd Llc (ga)
Classification: Uncertain significance. Last evaluated: 2014-04-30. Review status: criteria provided, single submitter. Criteria: EGL Classification Definitions 2015. Collection method: clinical testing. Allele origin: germline. Observed: 2 variant alleles, 2 heterozygotes.